The following is an entry in ClinVar:

NM_001252024.2(TRPM1):c.2496del (p.Lys832fs)

Gene: TRPM1 (transient receptor potential cation channel subfamily M member 1; minus strand). Cytogenetic location: 15q13.3.
Variant type: Deletion.
Coding change: c.2496del on transcript NM_001252024.2 (MANE Select); coding-DNA position 2496, one base deleted (A; older notation c.2496delA).
Protein change: p.Lys832fs; shifts the reading frame from lysine 832.
Molecular consequence: frameshift variant.
Genome position (GRCh38, 1-based): chr15:31,037,786, T deleted on the plus strand (A on the coding strand, the reverse complement: TRPM1 is on the minus strand); the first of 6 consecutive T bases (chr15:31,037,786-31,037,791); deleting any one gives the same sequence. VCF-style (leftmost placement, unchanged base first): chr15-31037785-GT-G. GRCh37 (hg19) VCF-style: chr15-31329988-GT-G.
Other names: c.2547del, p.Lys849fs (NM_001252020.2); c.2430del, p.Lys810fs (NM_002420.6); short protein forms K810fs, K832fs, K849fs.
Identifiers: ClinVar variation 4996950 (VCV004996950.1).

ClinVar aggregate classification (germline): Likely pathogenic (1 of 4 stars; one submission).

Conditions:
TRPM1-related disorder. Also called: TRPM1-related condition.

Submission:

PreventionGenetics, part of Exact Sciences
Classification: Likely pathogenic for TRPM1-related condition. Last evaluated: 2025-06-16. Review status: criteria provided, single submitter. Criteria: ACMG Guidelines, 2015. Collection method: clinical testing. Allele origin: germline.
Comment: The TRPM1 c.2547delA variant is predicted to result in a frameshift and premature protein termination (p.Lys849Asnfs*60). To our knowledge, this variant has not been reported in the literature. This variant is reported in 0.0087% of alleles in individuals of Latino descent in gnomAD. Frameshift variants in TRPM1 are expected to be pathogenic. This variant is interpreted as likely pathogenic.